The following is an entry in ClinVar:

NM_032217.5(ANKRD17):c.6193T>G (p.Ser2065Ala)

Gene: ANKRD17 (ankyrin repeat domain 17; minus strand). Cytogenetic location: 4q13.3.
Variant type: single nucleotide variant.
Coding change: c.6193T>G on transcript NM_032217.5 (MANE Select); coding-DNA position 6193, T replaced by G.
Protein change: p.Ser2065Ala; replaces serine 2065 with alanine.
Molecular consequence: missense variant.
Genome position (GRCh38, 1-based): chr4:73,091,435, A>C on the plus strand (T>G on the coding strand, the complement: ANKRD17 is on the minus strand). VCF-style: chr4-73091435-A-C. GRCh37 (hg19) VCF-style: chr4-73957152-A-C.
Other names: c.5854T>G, p.Ser1952Ala (NM_001286771.3); c.6190T>G, p.Ser2064Ala (NM_015574.2); c.5440T>G, p.Ser1814Ala (NM_198889.3); short protein forms S1814A, S1952A, S2064A, S2065A.
Identifiers: ClinVar variation 3346068 (VCV003346068.1).

ClinVar aggregate classification (germline): Uncertain significance (0 of 4 stars; one submission).

Conditions:
ANKRD17-related disorder. Also called: ANKRD17-related condition.

Submission:

PreventionGenetics, part of Exact Sciences
Classification: Uncertain significance for ANKRD17-related condition. Last evaluated: 2024-05-05. Review status: no assertion criteria provided. Collection method: clinical testing. Allele origin: germline.
Comment: The ANKRD17 c.6193T>G variant is predicted to result in the amino acid substitution p.Ser2065Ala. To our knowledge, this variant has not been reported in the literature or in a large population database, indicating this variant is rare. At this time, the clinical significance of this variant is uncertain due to the absence of conclusive functional and genetic evidence.